The following is an entry in ClinVar:

NM_002016.2(FLG):c.7686del (p.Trp2563fs)

Genes: CCDST (cervical cancer associated DHX9 suppressive transcript; plus strand), FLG (filaggrin; minus strand). Cytogenetic location: 1q21.3.
Variant type: Deletion.
Coding change: c.7686del on transcript NM_002016.2 (MANE Select); coding-DNA position 7686, one base deleted (C; older notation c.7686delC).
Protein change: p.Trp2563fs; shifts the reading frame from tryptophan 2563.
Molecular consequence: frameshift variant.
Genome position (GRCh38, 1-based): chr1:152,307,200, G deleted on the plus strand (C on the coding strand, the reverse complement: FLG is on the minus strand). VCF-style (leftmost placement, unchanged base first): chr1-152307199-AG-A. GRCh37 (hg19) VCF-style: chr1-152279675-AG-A.
Other names: c.7686del (NM_002016.1); short protein forms W2563fs.
Identifiers: ClinVar variation 3370557 (VCV003370557.1), dbSNP rs769582558.
Genomic context (GRCh38, chr1:152,307,199, plus strand): 5'-ACCTCTCAGAGTCTTCTGAGTGTCCCTGACTGTCACTGTCCTGGCTAAAACTGGATCCCC[AG>A]TTCCTGCTTGTCCTGGGCCCCTCTGATTGTCCCTGGCCCACCTGCGAGTGTCCAGAGCTG-3'

ClinVar aggregate classification (germline): Pathogenic (1 of 4 stars; one submission).

Allele frequency attached by ClinVar (database versions not stated): TOPMed below 0.00001; gnomAD exomes 0.00001; ExAC 0.00002.

Submission:

GeneDx
Classification: Pathogenic. Last evaluated: 2024-03-07. Review status: criteria provided, single submitter. Criteria: GeneDx Variant Classification Process June 2021. Collection method: clinical testing. Allele origin: germline. Affected: yes.
Comment: Frameshift variant predicted to result in abnormal protein length as the last 1499 amino acids are replaced with 26 different amino acids, and other similar variants have been reported in HGMD; Not observed at significant frequency in large population cohorts (gnomAD); Has not been previously published as pathogenic or benign to our knowledge